The following is an entry in ClinVar:

NM_000037.4(ANK1):c.427-20_430del

Genes: ANK1 (ankyrin 1; minus strand), LOC124153154 (Sharpr-MPRA regulatory region 1462; plus strand). Cytogenetic location: 8p11.21.
Variant type: Deletion.
Coding change: c.427-20_430del on transcript NM_000037.4 (MANE Select); 20 bases into the intron before coding-DNA position 427 through coding-DNA position 430, 24 bases deleted (CATTTTCCTCCTCTGGCCAGGACG).
Molecular consequence: splice acceptor variant.
Genome position (GRCh38, 1-based): chr8:41,725,943-41,725,966, CGTCCTGGCCAGAGGAGGAAAATG deleted on the plus strand (CATTTTCCTCCTCTGGCCAGGACG on the coding strand, the reverse complement: ANK1 is on the minus strand); deleting any 24 consecutive bases within chr8:41,725,943-41,725,967 gives the same sequence; the c. name uses the placement nearest the transcript's 3' end. VCF-style (leftmost placement, unchanged base first): chr8-41725942-CCGTCCTGGCCAGAGGAGGAAAATG-C. GRCh37 (hg19) VCF-style: chr8-41583460-CCGTCCTGGCCAGAGGAGGAAAATG-C.
Other names: c.526-20_529del (NM_001142446.2); c.427-20_430del (NM_020477.3, NM_020475.3, NM_020476.3).
Identifiers: ClinVar variation 3650471 (VCV003650471.2).

ClinVar aggregate classification (germline): Likely pathogenic (1 of 4 stars; one submission).

Submission:

Labcorp Genetics (formerly Invitae), Labcorp
Classification: Likely pathogenic. Last evaluated: 2024-09-26. Review status: criteria provided, single submitter. Criteria: Invitae Variant Classification Sherloc (09022015). Collection method: clinical testing. Allele origin: germline.
Comment: This variant results in the deletion of part of exon 6 (c.427-20_430del) of the ANK1 gene. It is expected to disrupt RNA splicing. Variants that disrupt the donor or acceptor splice site typically lead to a loss of protein function (PMID: 16199547), and loss-of-function variants in ANK1 are known to be pathogenic (PMID: 8640229). This variant is not present in population databases (gnomAD no frequency). This variant has not been reported in the literature in individuals affected with ANK1-related conditions. In summary, the currently available evidence indicates that the variant is pathogenic, but additional data are needed to prove that conclusively. Therefore, this variant has been classified as Likely Pathogenic.

Literature cited by the submitters: PubMed 16199547; PubMed 8640229.